The following is an entry in ClinVar:

ClinVar aggregate classification (germline): Uncertain significance (1 of 4 stars; one submission).

Allele frequency attached by ClinVar (database versions not stated): gnomAD exomes below 0.00001.
gnomAD v4.1: 2 of 1,613,774 alleles (0.00012%); highest among the groups gnomAD compares: African/African-American, 0.0013%; no homozygotes.

Submission:

Labcorp Genetics (formerly Invitae), Labcorp
Classification: Uncertain significance. Last evaluated: 2022-06-13. Review status: criteria provided, single submitter. Criteria: Invitae Variant Classification Sherloc (09022015). Collection method: clinical testing. Allele origin: germline.
Comment: Algorithms developed to predict the effect of missense changes on protein structure and function are either unavailable or do not agree on the potential impact of this missense change (SIFT: "Tolerated"; PolyPhen-2: "Possibly Damaging"; Align-GVGD: "Class C0"). In summary, the available evidence is currently insufficient to determine the role of this variant in disease. Therefore, it has been classified as a Variant of Uncertain Significance. This variant has not been reported in the literature in individuals affected with TTLL5-related conditions. This sequence change replaces glutamine, which is neutral and polar, with glutamic acid, which is acidic and polar, at codon 255 of the TTLL5 protein (p.Gln255Glu). This variant is not present in population databases (gnomAD no frequency).

NM_015072.5(TTLL5):c.763C>G (p.Gln255Glu)

Gene: TTLL5 (tubulin tyrosine ligase like 5; plus strand). Cytogenetic location: 14q24.3.
Variant type: single nucleotide variant.
Coding change: c.763C>G on transcript NM_015072.5 (MANE Select); coding-DNA position 763, C replaced by G.
Protein change: p.Gln255Glu; replaces glutamine 255 with glutamic acid.
Molecular consequence: missense variant.
Genome position (GRCh38, 1-based): chr14:75,717,883, C>G. VCF-style: chr14-75717883-C-G. GRCh37 (hg19) VCF-style: chr14-76184226-C-G.
Other names: short protein forms Q255E.
Identifiers: ClinVar variation 1366065 (VCV001366065.8), dbSNP rs2140197725, ClinGen allele CA390458133.